The following is an entry in ClinVar:

NM_000051.4(ATM):c.1741T>G (p.Leu581Val)

Gene: ATM (ATM serine/threonine kinase; plus strand). Cytogenetic location: 11q22.3.
Variant type: single nucleotide variant.
Coding change: c.1741T>G on transcript NM_000051.4 (MANE Select); coding-DNA position 1741, T replaced by G.
Protein change: p.Leu581Val; replaces leucine 581 with valine.
Molecular consequence: missense variant.
Genome position (GRCh38, 1-based): chr11:108,251,970, T>G. VCF-style: chr11-108251970-T-G. GRCh37 (hg19) VCF-style: chr11-108122697-T-G.
Other names: c.1741T>G, p.Leu581Val (NM_001351834.2); short protein forms L581V.
Identifiers: ClinVar variation 232530 (VCV000232530.31), dbSNP rs876659822, ClinGen allele CA10579023.
Genomic context (GRCh38, chr11:108,251,970, plus strand): 5'-CAAAATATGTGTGAAGTAAATAGAAGCTTTTCTTTAAAGGAATCAATAATGAAATGGCTC[T>G]TATTCTATCAGTTAGAGGGTGACTTAGAAAATAGCACAGAAGTGCCTCCAATTCTTCACA-3'
Protein context (NP_000042.3, residues 571-591): SLKESIMKWL[Leu581Val]FYQLEGDLEN

ClinVar aggregate classification (germline): Uncertain significance. Review status: criteria provided, multiple submitters, no conflicts (2 of 4 stars). 10 submissions from 10 submitters: Uncertain significance (9). 1 of the submissions does not count toward it. Last evaluated 2025-11-24.

Conditions:
Hereditary cancer-predisposing syndrome. Also called: Hereditary Cancer Syndrome; Neoplastic Syndromes, Hereditary; Tumor predisposition; Hereditary neoplastic syndrome. Identifiers: Orphanet 140162, MedGen C0027672, MeSH D009386, MONDO:0015356.
Hereditary breast ovarian cancer syndrome. Also called: Hereditary breast and/or ovarian cancer syndrome; BRCA1- and BRCA2-Associated Hereditary Breast and Ovarian Cancer; Hereditary breast and ovarian cancer syndrome (HBOC); Hereditary breast and ovarian cancer; Hereditary breast and ovarian cancer syndrome; Breast and ovarian cancer. Identifiers: Orphanet 145, MedGen C0677776, MeSH D061325, MONDO:0003582. Disease mechanism: loss of function.
Ataxia-telangiectasia syndrome (AT). Also called: Ataxia telangiectasia (A-T); Ataxia-telangiectasia, complementation group E; LOUIS-BAR SYNDROME; Cerebello-oculocutaneous telangiectasia; Immunodeficiency with ataxia telangiectasia; Ataxia-telangiectasia, complementation group D. Identifiers: Orphanet 100, MedGen C0004135, MONDO:0008840, OMIM 208900.

Allele frequency attached by ClinVar (database versions not stated): gnomAD 0.00001 and 0.00002; gnomAD exomes 0.00001 and 0.00005; TOPMed 0.00001.
gnomAD v4.1: 31 of 1,613,752 alleles (0.0019%); highest among the groups gnomAD compares: East Asian, 0.067%; no homozygotes.

Submissions (10):

Labcorp Genetics (formerly Invitae), Labcorp
Classification: Uncertain significance for Ataxia-telangiectasia syndrome. Last evaluated: 2025-11-24. Review status: criteria provided, single submitter. Criteria: Invitae Variant Classification Sherloc (09022015). Collection method: clinical testing. Allele origin: germline.
Comment: This sequence change replaces leucine, which is neutral and non-polar, with valine, which is neutral and non-polar, at codon 581 of the ATM protein (p.Leu581Val). This variant is present in population databases (no rsID available, gnomAD 0.02%). This missense change has been observed in individual(s) with breast cancer and/or pancreatic cancer (PMID: 30287823, 32980694). ClinVar contains an entry for this variant (Variation ID: 232530). Invitae Evidence Modeling of protein sequence and biophysical properties (such as structural, functional, and spatial information, amino acid conservation, physicochemical variation, residue mobility, and thermodynamic stability) indicates that this missense variant is not expected to disrupt ATM protein function with a negative predictive value of 95%. In summary, the available evidence is currently insufficient to determine the role of this variant in disease. Therefore, it has been classified as a Variant of Uncertain Significance.

Ambry Genetics
Classification: Uncertain significance for Hereditary cancer-predisposing syndrome. Last evaluated: 2025-09-10. Review status: criteria provided, single submitter. Criteria: Ambry Variant Classification Scheme 2023. Collection method: clinical testing. Allele origin: germline.
Comment: The p.L581V variant (also known as c.1741T>G), located in coding exon 10 of the ATM gene, results from a T to G substitution at nucleotide position 1741. The leucine at codon 581 is replaced by valine, an amino acid with highly similar properties. This alteration has been reported in several studies, identified in both cancer cases and unaffected controls (Momozawa Y et al. Nat Commun, 2018 Oct;9:4083; Fujita M et al. Clin Gastroenterol Hepatol, 2022 Sep;20:2132-2141.e9; Dorling et al. N Engl J Med 2021 02;384:428-439; Momozawa Y et al. J Natl Cancer Inst, 2020 Apr;112:369-376; Wardell CP et al. J Hepatol, 2018 May;68:959-969). This amino acid position is well conserved in available vertebrate species. In addition, this alteration is predicted to be tolerated by in silico analysis. Based on the available evidence, the clinical significance of this variant remains unclear.

Color Diagnostics, LLC DBA Color Health
Classification: Uncertain significance for Hereditary cancer-predisposing syndrome. Last evaluated: 2024-12-17. Review status: criteria provided, single submitter. Criteria: ACMG Guidelines, 2015. Collection method: clinical testing. Allele origin: germline.
Comment: This missense variant replaces leucine with valine at codon 581 of the ATM protein. Computational prediction suggests that this variant may not impact protein structure and function. To our knowledge, functional studies have not been reported for this variant. In a large international case-control meta analysis, this variant was reported in 5/60466 breast cancer cases and 1/53461 unaffected controls (PMID: 33471991). This variant has been identified in 3/251044 chromosomes in the general population by the Genome Aggregation Database (gnomAD). The available evidence is insufficient to determine the role of this variant in disease conclusively. Therefore, this variant is classified as a Variant of Uncertain Significance.

Women's Health and Genetics/Laboratory Corporation of America, LabCorp
Classification: Uncertain significance. Last evaluated: 2024-04-18. Review status: criteria provided, single submitter. Criteria: LabCorp Variant Classification Summary - May 2015. Collection method: clinical testing. Allele origin: germline.
Comment: Variant summary: ATM c.1741T>G (p.Leu581Val) results in a conservative amino acid change in the encoded protein sequence. Four of five in-silico tools predict a benign effect of the variant on protein function. The variant allele was found at a frequency of 1.2e-05 in 251044 control chromosomes. The available data on variant occurrences in the general population are insufficient to allow any conclusion about variant significance. c.1741T>G has been reported in the literature in individuals affected with Breast Cancer, Colon Cancer and in controls as well (example, Dorling_2021, Fujita_2022, Momozawa_2018). These report(s) do not provide unequivocal conclusions about association of the variant with Breast Cancer. To our knowledge, no experimental evidence demonstrating an impact on protein function has been reported. The following publications have been ascertained in the context of this evaluation (PMID: 33471991, 33309985, 30287823).ClinVar contains an entry for this variant (Variation ID: 232530). Based on the evidence outlined above, the variant was classified as uncertain significance.

GeneDx
Classification: Uncertain significance. Last evaluated: 2022-08-11. Review status: criteria provided, single submitter. Criteria: GeneDx Variant Classification Process June 2021. Collection method: clinical testing. Allele origin: germline. Affected: yes.
Comment: In silico analysis supports that this missense variant does not alter protein structure/function; Has not been previously published as pathogenic or benign to our knowledge; This variant is associated with the following publications: (PMID: 25428177, 33544757)

Sema4
Classification: Uncertain significance for Hereditary cancer-predisposing syndrome. Last evaluated: 2022-02-16. Review status: criteria provided, single submitter. Criteria: Sema4 Curation Guidelines. Collection method: curation. Allele origin: germline.
Comment: The ATM c.1741T>G (p.L581V) variant has been reported in in 5 cases and 1 control in a large dataset of 60,466 women with breast cancer and 53,461controls (PMID: 33471991). In another study, it has been reported in 16/7051 cases with female breast cancer and in 32/11241 female controls, also in 17/12490 male controls (PMID: 30287823). It has been reported in case-control study of pancreatic cancer in 3/1005 cases and in at least 65/23705 controls (PMID: 32980694), as well as in case control study of colorectal cancer in 19/12484 cases and in 65/23640 controls (PMID: 33309985). The variant was observed in 3/18392 chromosomes in the East Asian population according to the Genome Aggregation Database (PMID: 32461654). This variant has been reported in ClinVar (Variation ID: 232530). Functional studies have not been performed, and in silico predictions of the variant's effect on protein function are inconclusive. The evidence is insufficient to meet ACMG/AMP criteria for classifying the variant as benign or pathogenic. Thus, the clinical significance of this variant is currently uncertain.

Athena Diagnostics
Classification: Uncertain significance. Last evaluated: 2021-09-20. Review status: criteria provided, single submitter. Criteria: Athena Diagnostics Criteria. Collection method: clinical testing. Allele origin: unknown.

Quest Diagnostics Nichols Institute San Juan Capistrano
Classification: Uncertain significance. Last evaluated: 2021-09-20. Review status: criteria provided, single submitter. Criteria: Quest Diagnostics criteria. Collection method: clinical testing. Allele origin: unknown.
Comment: The frequency of this variant in the general population, 0.00016 (3/18392 chromosomes), is uninformative in assessment of its pathogenicity. In the published literature, the variant has been reported in healthy individuals (PMIDs: 29059438 (2017), 30287823 (2018), 32980694 (2020), 33471991 (2021) see also LOVD, 33309985 (2022)) as well as individuals with breast cancer (PMIDs: 30287823 (2018), 33471991 (2021) see also LOVD), pancreatic cancer (PMID: 32980694 (2020)), and colorectal cancer (PMID: 33309985 (2022)). Functional studies report the variant does not impact protein function (PMID: 29059438 (2017)). Analysis of this variant using bioinformatics tools for the prediction of the effect of amino acid changes on protein structure and function yielded predictions that this variant is benign. Based on the available information, we are unable to determine the clinical significance of this variant.

Cancer Genomics Group, Japanese Foundation For Cancer Research
Classification: Uncertain significance for Hereditary breast and ovarian cancer syndrome. Last evaluated: 2019-05-01. Review status: criteria provided, single submitter. Criteria: ACMG Guidelines, 2015. Collection method: research. Allele origin: germline. Affected: yes.

Natera, Inc.
Classification: Uncertain significance for Ataxia-telangiectasia. Last evaluated: 2020-09-16. Review status: no assertion criteria provided. Collection method: clinical testing. Allele origin: germline. Not counted in ClinVar's aggregate classification.

Literature cited by the submitters: PubMed 30287823 (cited by 5 submitters); PubMed 32980694 (cited by 3 submitters); PubMed 29360550 (cited by Ambry Genetics); PubMed 31214711 (cited by Ambry Genetics); PubMed 33309985 (cited by 4 submitters); PubMed 33471991 (cited by 4 submitters); PubMed 29059438 (cited by Athena Diagnostics and Quest Diagnostics Nichols Institute San Juan Capistrano); PubMed 33544757 (cited by Athena Diagnostics and Quest Diagnostics Nichols Institute San Juan Capistrano); PubMed 33471191 (cited by Quest Diagnostics Nichols Institute San Juan Capistrano).